The following is an entry in ClinVar:

NM_003202.5(TCF7):c.369C>T (p.Ser123=)

Gene: TCF7 (transcription factor 7; plus strand). Cytogenetic location: 5q31.1.
Variant type: single nucleotide variant.
Coding change: c.369C>T on transcript NM_003202.5 (MANE Select); coding-DNA position 369, C replaced by T.
Protein change: p.Ser123=; no amino-acid change (serine 123 retained).
Molecular consequence: synonymous variant. On other transcripts: non-coding transcript variant (1).
Genome position (GRCh38, 1-based): chr5:134,115,961, C>T. VCF-style: chr5-134115961-C-T. GRCh37 (hg19) VCF-style: chr5-133451652-C-T.
Other names: c.24C>T, p.Ser8= (NM_001134851.4, NM_001346450.2, NM_201632.5 and 3 more transcripts); c.369C>T, p.Ser123= (NM_001346425.2).
Identifiers: ClinVar variation 2655705 (VCV002655705.24), dbSNP rs149417339, ClinGen allele CA3411969.

ClinVar aggregate classification (germline): Likely benign (1 of 4 stars; one submission).

Allele frequency attached by ClinVar (database versions not stated): 1000 Genomes Project 0.00100; 1000 Genomes Project 30x 0.00109; gnomAD 0.00246; TOPMed 0.00266; ESP Exome Variant Server 0.00277; ExAC 0.00294; gnomAD exomes 0.00351.
gnomAD v4.1: 5,509 of 1,614,032 alleles (0.34%); highest among the groups gnomAD compares: Non-Finnish European, 0.4%; 8 homozygotes.

Submission:

CeGaT Center for Human Genetics Tuebingen
Classification: Likely benign. Last evaluated: 2023-01-01. Review status: criteria provided, single submitter. Criteria: CeGaT Center For Human Genetics Tuebingen Variant Classification Criteria Version 2. Collection method: clinical testing. Allele origin: germline. Affected: yes. Observed: 1 variant allele.
Comment: TCF7: BP4, BP7, BS2